The following is an entry in ClinVar:

NM_000169.3(GLA):c.533A>G (p.Glu178Gly)

Genes: GLA (galactosidase alpha; minus strand), RPL36A-HNRNPH2 (RPL36A-HNRNPH2 readthrough; plus strand). Cytogenetic location: Xq22.1.
Variant type: single nucleotide variant.
Coding change: c.533A>G on transcript NM_000169.3 (MANE Select); coding-DNA position 533, A replaced by G.
Protein change: p.Glu178Gly; replaces glutamic acid 178 with glycine.
Molecular consequence: missense variant. On other transcripts: non-coding transcript variant (3), intron variant (2).
Genome position (GRCh38, 1-based): chrX:101,401,646, T>C on the plus strand (A>G on the coding strand, the complement: GLA is on the minus strand). VCF-style: chrX-101401646-T-C. GRCh37 (hg19) VCF-style: chrX-100656634-T-C.
Other names: c.656A>G, p.Glu219Gly (NM_001406749.1, NM_001406747.1); c.300+6189T>C (NM_001199973.2); c.177+9824T>C (NM_001199974.2); c.533A>G, p.Glu178Gly (NM_001406748.1); short protein forms E178G, E219G.
Identifiers: ClinVar variation 2788429 (VCV002788429.3), dbSNP rs2520894874, ClinGen allele CA413928608.

ClinVar aggregate classification (germline): Uncertain significance (1 of 4 stars; one submission).

Conditions:
Fabry disease. Also called: Fabry's disease; ALPHA-GALACTOSIDASE A DEFICIENCY; ANDERSON-FABRY DISEASE; CERAMIDE TRIHEXOSIDASE DEFICIENCY; GLA DEFICIENCY; HEREDITARY DYSTOPIC LIPIDOSIS. Identifiers: Orphanet 324, MedGen C0002986, MONDO:0010526, OMIM 301500, HP:0001071. Disease mechanism: Fabry disease is due to inactivating mutations in the X-linked GLA gene resulting in deficiency of the enzyme Alpha Galactosidase-A., loss of function.

Submission:

Labcorp Genetics (formerly Invitae), Labcorp
Classification: Uncertain significance for Fabry disease. Last evaluated: 2024-01-19. Review status: criteria provided, single submitter. Criteria: Invitae Variant Classification Sherloc (09022015). Collection method: clinical testing. Allele origin: germline.
Comment: This sequence change replaces glutamic acid, which is acidic and polar, with glycine, which is neutral and non-polar, at codon 178 of the GLA protein (p.Glu178Gly). This variant is not present in population databases (gnomAD no frequency). This variant has not been reported in the literature in individuals affected with GLA-related conditions. Advanced modeling of protein sequence and biophysical properties (such as structural, functional, and spatial information, amino acid conservation, physicochemical variation, residue mobility, and thermodynamic stability) performed at Invitae indicates that this missense variant is not expected to disrupt GLA protein function with a negative predictive value of 80%. In summary, the available evidence is currently insufficient to determine the role of this variant in disease. Therefore, it has been classified as a Variant of Uncertain Significance.